The following is an entry in ClinVar:

NM_014319.5(LEMD3):c.1099C>T (p.Leu367Phe)

Genes: LEMD3 (LEM domain containing 3; plus strand), LOC130008225 (ATAC-STARR-seq lymphoblastoid active region 6608; plus strand). Cytogenetic location: 12q14.3.
Variant type: single nucleotide variant.
Coding change: c.1099C>T on transcript NM_014319.5 (MANE Select); coding-DNA position 1099, C replaced by T.
Protein change: p.Leu367Phe; replaces leucine 367 with phenylalanine.
Molecular consequence: missense variant.
Genome position (GRCh38, 1-based): chr12:65,170,695, C>T. VCF-style: chr12-65170695-C-T. GRCh37 (hg19) VCF-style: chr12-65564475-C-T.
Other names: c.1099C>T, p.Leu367Phe (NM_001167614.2); short protein forms L367F.
Identifiers: ClinVar variation 882676 (VCV000882676.12), dbSNP rs139507581, ClinGen allele CA6670845.

ClinVar aggregate classification (germline): Conflicting classifications of pathogenicity. Review status: criteria provided, conflicting classifications (1 of 4 stars). 3 submissions from 3 submitters: Uncertain significance (2); Likely benign (1). Last evaluated 2025-12-24.

Conditions:
Inborn genetic diseases. Identifiers: MedGen C0950123, MeSH D030342.
Dermatofibrosis lenticularis disseminata (BOS). Also called: DERMATOFIBROSIS LENTICULARIS DISSEMINATA WITH OSTEOPOIKILOSIS; DERMATOOSTEOPOIKILOSIS; OSTEOPATHIA CONDENSANS DISSEMINATA. Identifiers: Orphanet 1306, MedGen C0265514, MONDO:0008157, OMIM 166700.

Allele frequency attached by ClinVar (database versions not stated): gnomAD 0.00009 and 0.00010; TOPMed 0.00013; gnomAD exomes 0.00015 and 0.00017; ExAC 0.00026; ESP Exome Variant Server 0.00031.
gnomAD v4.1: 271 of 1,614,122 alleles (0.017%); highest among the groups gnomAD compares: Non-Finnish European, 0.022%; 1 homozygote.

Submissions (3):

Labcorp Genetics (formerly Invitae), Labcorp
Classification: Uncertain significance. Last evaluated: 2025-12-24. Review status: criteria provided, single submitter. Criteria: Invitae Variant Classification Sherloc (09022015). Collection method: clinical testing. Allele origin: germline.
Comment: This sequence change replaces leucine, which is neutral and non-polar, with phenylalanine, which is neutral and non-polar, at codon 367 of the LEMD3 protein (p.Leu367Phe). This variant is present in population databases (rs139507581, gnomAD 0.03%), and has an allele count higher than expected for a pathogenic variant. This variant has not been reported in the literature in individuals affected with LEMD3-related conditions. ClinVar contains an entry for this variant (Variation ID: 882676). Invitae Evidence Modeling of protein sequence and biophysical properties (such as structural, functional, and spatial information, amino acid conservation, physicochemical variation, residue mobility, and thermodynamic stability) indicates that this missense variant is not expected to disrupt LEMD3 protein function with a negative predictive value of 80%. In summary, the available evidence is currently insufficient to determine the role of this variant in disease. Therefore, it has been classified as a Variant of Uncertain Significance.

Ambry Genetics
Classification: Uncertain significance for Inborn genetic diseases. Last evaluated: 2021-08-02. Review status: criteria provided, single submitter. Criteria: Ambry Variant Classification Scheme 2023. Collection method: clinical testing. Allele origin: germline.

Illumina Laboratory Services, Illumina
Classification: Likely benign for Dermatofibrosis lenticularis disseminata. Last evaluated: 2018-01-13. Review status: criteria provided, single submitter. Criteria: ICSL Variant Classification Criteria 13 December 2019. Collection method: clinical testing. Allele origin: germline.
Comment: This variant was observed in the ICSL laboratory as part of a predisposition screen in an ostensibly healthy population. It had not been previously curated by ICSL or reported in the Human Gene Mutation Database (HGMD: prior to June 1st, 2018), and was therefore a candidate for classification through an automated scoring system. Utilizing variant allele frequency, disease prevalence and penetrance estimates, and inheritance mode, an automated score was calculated to assess if this variant is too frequent to cause the disease. Based on the score and internal cut-off values, a variant classified as likely benign is not then subjected to further curation. The score for this variant resulted in a classification of likely benign for this disease.